The following is an entry in ClinVar:

NM_002317.7(LOX):c.413G>A (p.Gly138Asp)

Genes: LOX (lysyl oxidase; minus strand), SRFBP1 (serum response factor binding protein 1; plus strand). Cytogenetic location: 5q23.1.
Variant type: single nucleotide variant.
Coding change: c.413G>A on transcript NM_002317.7 (MANE Select); coding-DNA position 413, G replaced by A.
Protein change: p.Gly138Asp; replaces glycine 138 with aspartic acid.
Molecular consequence: missense variant.
Genome position (GRCh38, 1-based): chr5:122,077,573, C>T on the plus strand (G>A on the coding strand, the complement: LOX is on the minus strand). VCF-style: chr5-122077573-C-T. GRCh37 (hg19) VCF-style: chr5-121413268-C-T.
Other names: short protein forms G138D.
Identifiers: ClinVar variation 3119585 (VCV003119585.2), dbSNP rs2532916940, ClinGen allele CA360876357.

ClinVar aggregate classification (germline): Uncertain significance (1 of 4 stars; one submission).

Conditions:
Cardiovascular phenotype. Identifiers: MedGen CN230736.

gnomAD v4.1: 2 of 1,612,900 alleles (0.00012%); no homozygotes.

Submission:

Ambry Genetics
Classification: Uncertain significance for Cardiovascular phenotype. Last evaluated: 2025-03-23. Review status: criteria provided, single submitter. Criteria: Ambry Variant Classification Scheme 2023. Collection method: clinical testing. Allele origin: germline.
Comment: The p.G138D variant (also known as c.413G>A), located in coding exon 1 of the LOX gene, results from a G to A substitution at nucleotide position 413. The glycine at codon 138 is replaced by aspartic acid, an amino acid with similar properties. This amino acid position is conserved. In addition, this alteration is predicted to be tolerated by in silico analysis. Based on the available evidence, the clinical significance of this variant remains unclear.